The following is an entry in ClinVar:

NM_006231.4(POLE):c.1021-9T>C

Gene: POLE (DNA polymerase epsilon, catalytic subunit; minus strand). Cytogenetic location: 12q24.33.
Variant type: single nucleotide variant.
Coding change: c.1021-9T>C on transcript NM_006231.4 (MANE Select); 9 bases into the intron before coding-DNA position 1021, T replaced by C.
Molecular consequence: intron variant.
Genome position (GRCh38, 1-based): chr12:132,675,829, A>G on the plus strand (T>C on the coding strand, the complement: POLE is on the minus strand). VCF-style: chr12-132675829-A-G. GRCh37 (hg19) VCF-style: chr12-133252415-A-G.
Identifiers: ClinVar variation 3660295 (VCV003660295.3).

ClinVar aggregate classification (germline): Likely benign. Review status: criteria provided, multiple submitters, no conflicts (2 of 4 stars). 2 submissions from 2 submitters: Likely benign (2). Last evaluated 2025-02-10.

Conditions:
Colorectal cancer, susceptibility to, 12 (CRCS12). Also called: COLORECTAL CANCER, SUSCEPTIBILITY TO, ON CHROMOSOME 12q24. Identifiers: Orphanet 220460, MedGen C3554460, MONDO:0014038, OMIM 615083.

gnomAD v4.1: 1 of 1,608,494 alleles (0.000062%); highest among the groups gnomAD compares: Non-Finnish European, 0.000085%; no homozygotes.

Submissions (2):

Myriad Genetics, Inc.
Classification: Likely benign for Colorectal cancer, susceptibility to, 12. Last evaluated: 2025-02-10. Review status: criteria provided, single submitter. Criteria: Myriad Autosomal Dominant, Autosomal Recessive and X-Linked Classification Criteria (2023). Collection method: clinical testing. Allele origin: unknown.
Comment: This variant is considered likely benign. This variant is intronic and is not expected to impact mRNA splicing.

Labcorp Genetics (formerly Invitae), Labcorp
Classification: Likely benign. Last evaluated: 2024-07-30. Review status: criteria provided, single submitter. Criteria: Invitae Variant Classification Sherloc (09022015). Collection method: clinical testing. Allele origin: germline.